The following is an entry in ClinVar:

ClinVar aggregate classification (germline): Uncertain significance (1 of 4 stars; one submission).

gnomAD v4.1: 1 of 1,202,214 alleles (0.000083%); highest among the groups gnomAD compares: Admixed American, 0.0022%; no homozygotes.

Submission:

Labcorp Genetics (formerly Invitae), Labcorp
Classification: Uncertain significance. Last evaluated: 2024-02-23. Review status: criteria provided, single submitter. Criteria: Invitae Variant Classification Sherloc (09022015). Collection method: clinical testing. Allele origin: germline.
Comment: This sequence change replaces proline, which is neutral and non-polar, with alanine, which is neutral and non-polar, at codon 1129 of the POLA1 protein (p.Pro1129Ala). This variant is not present in population databases (gnomAD no frequency). This variant has not been reported in the literature in individuals affected with POLA1-related conditions. Advanced modeling of protein sequence and biophysical properties (such as structural, functional, and spatial information, amino acid conservation, physicochemical variation, residue mobility, and thermodynamic stability) performed at Invitae indicates that this missense variant is not expected to disrupt POLA1 protein function with a negative predictive value of 80%. In summary, the available evidence is currently insufficient to determine the role of this variant in disease. Therefore, it has been classified as a Variant of Uncertain Significance.

NM_001330360.2(POLA1):c.3403C>G (p.Pro1135Ala)

Gene: POLA1 (DNA polymerase alpha 1, catalytic subunit; plus strand). Cytogenetic location: Xp22.11.
Variant type: single nucleotide variant.
Coding change: c.3403C>G on transcript NM_001330360.2 (MANE Select); coding-DNA position 3403, C replaced by G.
Protein change: p.Pro1135Ala; replaces proline 1135 with alanine.
Molecular consequence: missense variant. On other transcripts: non-coding transcript variant (2).
Genome position (GRCh38, 1-based): chrX:24,815,085, C>G. VCF-style: chrX-24815085-C-G. GRCh37 (hg19) VCF-style: chrX-24833202-C-G.
Other names: c.3328C>G, p.Pro1110Ala (NM_001378303.1); c.3385C>G, p.Pro1129Ala (NM_016937.4); short protein forms P1135A, P1110A, P1129A.
Identifiers: ClinVar variation 2852160 (VCV002852160.3), dbSNP rs2518676725, ClinGen allele CA412525871.